The following is an entry in ClinVar:

ClinVar aggregate classification (germline): Uncertain significance (1 of 4 stars; one submission).

Conditions:
TET3-related disorder. Also called: TET3-related condition; TET3-Related Disease.

Submission:

PreventionGenetics, part of Exact Sciences
Classification: Uncertain significance for TET3-related condition. Last evaluated: 2025-10-12. Review status: criteria provided, single submitter. Criteria: ACMG Guidelines, 2015. Collection method: clinical testing. Allele origin: germline.
Comment: The TET3 c.4619G>A variant is predicted to result in the amino acid substitution p.Gly1540Glu. To our knowledge, this variant has not been reported in the literature or in a large population database (gnomAD), indicating this variant is rare. At this time, the clinical significance of this variant is uncertain due to the absence of conclusive functional and genetic evidence.

NM_001287491.2(TET3):c.4619G>A (p.Gly1540Glu)

Gene: TET3 (tet methylcytosine dioxygenase 3; plus strand). Cytogenetic location: 2p13.1.
Variant type: single nucleotide variant.
Coding change: c.4619G>A on transcript NM_001287491.2 (MANE Select); coding-DNA position 4619, G replaced by A.
Protein change: p.Gly1540Glu; replaces glycine 1540 with glutamic acid.
Molecular consequence: missense variant.
Genome position (GRCh38, 1-based): chr2:74,101,407, G>A. VCF-style: chr2-74101407-G-A. GRCh37 (hg19) VCF-style: chr2-74328534-G-A.
Other names: c.4340G>A, p.Gly1447Glu (NM_001366022.1); short protein forms G1447E, G1540E.
Identifiers: ClinVar variation 4982335 (VCV004982335.1).